The following is an entry in ClinVar:

ClinVar aggregate classification (germline): Uncertain significance (1 of 4 stars; one submission).

Conditions:
ANKRD1-related dilated cardiomyopathy. Identifiers: MedGen CN119551.

gnomAD v4.1: 1 of 1,608,350 alleles (0.000062%); no homozygotes.

Submission:

Labcorp Genetics (formerly Invitae), Labcorp
Classification: Uncertain significance for ANKRD1-related dilated cardiomyopathy. Last evaluated: 2023-05-27. Review status: criteria provided, single submitter. Criteria: Invitae Variant Classification Sherloc (09022015). Collection method: clinical testing. Allele origin: germline.
Comment: In summary, the available evidence is currently insufficient to determine the role of this variant in disease. Therefore, it has been classified as a Variant of Uncertain Significance. Advanced modeling of protein sequence and biophysical properties (such as structural, functional, and spatial information, amino acid conservation, physicochemical variation, residue mobility, and thermodynamic stability) performed at Invitae indicates that this missense variant is not expected to disrupt ANKRD1 protein function. This variant has not been reported in the literature in individuals affected with ANKRD1-related conditions. This variant is present in population databases (no rsID available, gnomAD 0.003%). This sequence change replaces lysine, which is basic and polar, with asparagine, which is neutral and polar, at codon 80 of the ANKRD1 protein (p.Lys80Asn).

NM_014391.3(ANKRD1):c.240G>T (p.Lys80Asn)

Gene: ANKRD1 (ankyrin repeat domain 1; minus strand). Cytogenetic location: 10q23.31.
Variant type: single nucleotide variant.
Coding change: c.240G>T on transcript NM_014391.3 (MANE Select); coding-DNA position 240, G replaced by T.
Protein change: p.Lys80Asn; replaces lysine 80 with asparagine.
Molecular consequence: missense variant.
Genome position (GRCh38, 1-based): chr10:90,919,236, C>A on the plus strand (G>T on the coding strand, the complement: ANKRD1 is on the minus strand). VCF-style: chr10-90919236-C-A. GRCh37 (hg19) VCF-style: chr10-92678993-C-A.
Other names: short protein forms K80N.
Identifiers: ClinVar variation 2887338 (VCV002887338.3), dbSNP rs1472596628, ClinGen allele CA377552948.